The following continues an entry in ClinVar:

NM_031443.4(CCM2):c.915G>A (p.Thr305=)

Gene: CCM2. ClinVar aggregate classification (germline): Benign. Benign (8).

Submissions 31 to 64 of 99:

Dr. Peter K. Rogan Lab, Western University
No classification provided (evidence only). Condition: Uterine carcinosarcoma. Review status: no classification provided. Collection method: in vitro. Allele origin: not applicable. Functional consequence: retained intron. Not counted in ClinVar's aggregate classification.

Dr. Peter K. Rogan Lab, Western University
No classification provided (evidence only). Condition: Uterine carcinosarcoma. Review status: no classification provided. Collection method: in vitro. Allele origin: not applicable. Functional consequence: retained intron. Not counted in ClinVar's aggregate classification.

Dr. Peter K. Rogan Lab, Western University
No classification provided (evidence only). Condition: Uterine carcinosarcoma. Review status: no classification provided. Collection method: in vitro. Allele origin: not applicable. Functional consequence: retained intron. Not counted in ClinVar's aggregate classification.

Dr. Peter K. Rogan Lab, Western University
No classification provided (evidence only). Condition: Uterine carcinosarcoma. Review status: no classification provided. Collection method: in vitro. Allele origin: not applicable. Functional consequence: retained intron. Not counted in ClinVar's aggregate classification.

Dr. Peter K. Rogan Lab, Western University
No classification provided (evidence only). Condition: Uterine carcinosarcoma. Review status: no classification provided. Collection method: in vitro. Allele origin: not applicable. Functional consequence: retained intron. Not counted in ClinVar's aggregate classification.

Dr. Peter K. Rogan Lab, Western University
No classification provided (evidence only). Condition: Chronic lymphocytic leukemia/small lymphocytic lymphoma. Review status: no classification provided. Collection method: in vitro. Allele origin: not applicable. Functional consequence: retained intron. Not counted in ClinVar's aggregate classification.

Dr. Peter K. Rogan Lab, Western University
No classification provided (evidence only). Condition: Chronic lymphocytic leukemia/small lymphocytic lymphoma. Review status: no classification provided. Collection method: in vitro. Allele origin: not applicable. Functional consequence: retained intron. Not counted in ClinVar's aggregate classification.

Dr. Peter K. Rogan Lab, Western University
No classification provided (evidence only). Condition: Chronic lymphocytic leukemia/small lymphocytic lymphoma. Review status: no classification provided. Collection method: in vitro. Allele origin: not applicable. Functional consequence: retained intron. Not counted in ClinVar's aggregate classification.

Dr. Peter K. Rogan Lab, Western University
No classification provided (evidence only). Condition: Chronic lymphocytic leukemia/small lymphocytic lymphoma. Review status: no classification provided. Collection method: in vitro. Allele origin: not applicable. Functional consequence: retained intron. Not counted in ClinVar's aggregate classification.

Dr. Peter K. Rogan Lab, Western University
No classification provided (evidence only). Condition: Chronic lymphocytic leukemia/small lymphocytic lymphoma. Review status: no classification provided. Collection method: in vitro. Allele origin: not applicable. Functional consequence: retained intron. Not counted in ClinVar's aggregate classification.

Dr. Peter K. Rogan Lab, Western University
No classification provided (evidence only). Condition: Chronic lymphocytic leukemia/small lymphocytic lymphoma. Review status: no classification provided. Collection method: in vitro. Allele origin: not applicable. Functional consequence: retained intron. Not counted in ClinVar's aggregate classification.

Dr. Peter K. Rogan Lab, Western University
No classification provided (evidence only). Condition: Chronic lymphocytic leukemia/small lymphocytic lymphoma. Review status: no classification provided. Collection method: in vitro. Allele origin: not applicable. Functional consequence: retained intron. Not counted in ClinVar's aggregate classification.

Dr. Peter K. Rogan Lab, Western University
No classification provided (evidence only). Condition: Chronic lymphocytic leukemia/small lymphocytic lymphoma. Review status: no classification provided. Collection method: in vitro. Allele origin: not applicable. Functional consequence: retained intron. Not counted in ClinVar's aggregate classification.

Dr. Peter K. Rogan Lab, Western University
No classification provided (evidence only). Condition: Chronic lymphocytic leukemia/small lymphocytic lymphoma. Review status: no classification provided. Collection method: in vitro. Allele origin: not applicable. Functional consequence: retained intron. Not counted in ClinVar's aggregate classification.

Dr. Peter K. Rogan Lab, Western University
No classification provided (evidence only). Condition: Chronic lymphocytic leukemia/small lymphocytic lymphoma. Review status: no classification provided. Collection method: in vitro. Allele origin: not applicable. Functional consequence: retained intron. Not counted in ClinVar's aggregate classification.

Dr. Peter K. Rogan Lab, Western University
No classification provided (evidence only). Condition: Chronic lymphocytic leukemia/small lymphocytic lymphoma. Review status: no classification provided. Collection method: in vitro. Allele origin: not applicable. Functional consequence: retained intron. Not counted in ClinVar's aggregate classification.

Dr. Peter K. Rogan Lab, Western University
No classification provided (evidence only). Condition: Chronic lymphocytic leukemia/small lymphocytic lymphoma. Review status: no classification provided. Collection method: in vitro. Allele origin: not applicable. Functional consequence: retained intron. Not counted in ClinVar's aggregate classification.

Dr. Peter K. Rogan Lab, Western University
No classification provided (evidence only). Condition: Chronic lymphocytic leukemia/small lymphocytic lymphoma. Review status: no classification provided. Collection method: in vitro. Allele origin: not applicable. Functional consequence: retained intron. Not counted in ClinVar's aggregate classification.

Dr. Peter K. Rogan Lab, Western University
No classification provided (evidence only). Condition: Chronic lymphocytic leukemia/small lymphocytic lymphoma. Review status: no classification provided. Collection method: in vitro. Allele origin: not applicable. Functional consequence: retained intron. Not counted in ClinVar's aggregate classification.

Dr. Peter K. Rogan Lab, Western University
No classification provided (evidence only). Condition: Chronic lymphocytic leukemia/small lymphocytic lymphoma. Review status: no classification provided. Collection method: in vitro. Allele origin: not applicable. Functional consequence: retained intron. Not counted in ClinVar's aggregate classification.

Dr. Peter K. Rogan Lab, Western University
No classification provided (evidence only). Condition: Chronic lymphocytic leukemia/small lymphocytic lymphoma. Review status: no classification provided. Collection method: in vitro. Allele origin: not applicable. Functional consequence: retained intron. Not counted in ClinVar's aggregate classification.

Dr. Peter K. Rogan Lab, Western University
No classification provided (evidence only). Condition: Chronic lymphocytic leukemia/small lymphocytic lymphoma. Review status: no classification provided. Collection method: in vitro. Allele origin: not applicable. Functional consequence: retained intron. Not counted in ClinVar's aggregate classification.

Dr. Peter K. Rogan Lab, Western University
No classification provided (evidence only). Condition: Chronic lymphocytic leukemia/small lymphocytic lymphoma. Review status: no classification provided. Collection method: in vitro. Allele origin: not applicable. Functional consequence: retained intron. Not counted in ClinVar's aggregate classification.

Dr. Peter K. Rogan Lab, Western University
No classification provided (evidence only). Condition: Nonpapillary renal cell carcinoma. Review status: no classification provided. Collection method: in vitro. Allele origin: not applicable. Functional consequence: retained intron. Not counted in ClinVar's aggregate classification.

Dr. Peter K. Rogan Lab, Western University
No classification provided (evidence only). Condition: Nonpapillary renal cell carcinoma. Review status: no classification provided. Collection method: in vitro. Allele origin: not applicable. Functional consequence: retained intron. Not counted in ClinVar's aggregate classification.

Dr. Peter K. Rogan Lab, Western University
No classification provided (evidence only). Condition: Nonpapillary renal cell carcinoma. Review status: no classification provided. Collection method: in vitro. Allele origin: not applicable. Functional consequence: retained intron. Not counted in ClinVar's aggregate classification.

Dr. Peter K. Rogan Lab, Western University
No classification provided (evidence only). Condition: Nonpapillary renal cell carcinoma. Review status: no classification provided. Collection method: in vitro. Allele origin: not applicable. Functional consequence: retained intron. Not counted in ClinVar's aggregate classification.

Dr. Peter K. Rogan Lab, Western University
No classification provided (evidence only). Condition: Nonpapillary renal cell carcinoma. Review status: no classification provided. Collection method: in vitro. Allele origin: not applicable. Functional consequence: retained intron. Not counted in ClinVar's aggregate classification.

Dr. Peter K. Rogan Lab, Western University
No classification provided (evidence only). Condition: Nonpapillary renal cell carcinoma. Review status: no classification provided. Collection method: in vitro. Allele origin: not applicable. Functional consequence: retained intron. Not counted in ClinVar's aggregate classification.

Dr. Peter K. Rogan Lab, Western University
No classification provided (evidence only). Condition: Nonpapillary renal cell carcinoma. Review status: no classification provided. Collection method: in vitro. Allele origin: not applicable. Functional consequence: retained intron. Not counted in ClinVar's aggregate classification.

Dr. Peter K. Rogan Lab, Western University
No classification provided (evidence only). Condition: Nonpapillary renal cell carcinoma. Review status: no classification provided. Collection method: in vitro. Allele origin: not applicable. Functional consequence: retained intron. Not counted in ClinVar's aggregate classification.

Dr. Peter K. Rogan Lab, Western University
No classification provided (evidence only). Condition: Nonpapillary renal cell carcinoma. Review status: no classification provided. Collection method: in vitro. Allele origin: not applicable. Functional consequence: retained intron. Not counted in ClinVar's aggregate classification.

Dr. Peter K. Rogan Lab, Western University
No classification provided (evidence only). Condition: Nonpapillary renal cell carcinoma. Review status: no classification provided. Collection method: in vitro. Allele origin: not applicable. Functional consequence: retained intron. Not counted in ClinVar's aggregate classification.

Dr. Peter K. Rogan Lab, Western University
No classification provided (evidence only). Condition: Nonpapillary renal cell carcinoma. Review status: no classification provided. Collection method: in vitro. Allele origin: not applicable. Functional consequence: retained intron. Not counted in ClinVar's aggregate classification.